The following is an entry in ClinVar:

NM_001144967.3(NEDD4L):c.1575+6G>A

Gene: NEDD4L (NEDD4 like E3 ubiquitin protein ligase; plus strand). Cytogenetic location: 18q21.31.
Variant type: single nucleotide variant.
Coding change: c.1575+6G>A on transcript NM_001144967.3 (MANE Select); 6 bases into the intron after coding-DNA position 1575, G replaced by A.
Molecular consequence: intron variant.
Genome position (GRCh38, 1-based): chr18:58,343,109, G>A. VCF-style: chr18-58343109-G-A. GRCh37 (hg19) VCF-style: chr18-56010341-G-A.
Other names: c.1515+6G>A (NM_015277.6); c.1383+6G>A (NM_001243960.2); c.1212+6G>A (NM_001144964.1, NM_001144965.2, NM_001144966.3); c.1152+6G>A (NM_001144971.2, NM_001144970.3); c.1551+6G>A (NM_001144968.2); c.1491+6G>A (NM_001144969.2).
Identifiers: ClinVar variation 641189 (VCV000641189.10), dbSNP rs936846045, ClinGen allele CA300873641.
Genomic context (GRCh38, chr18:58,343,109, plus strand): 5'-AGCGCCAAACGGCCGGCCCTTCTTCATTGATCATAACACAAAGACTACAACCTGGGTAAG[G>A]CTGCTGCTTTTATTTGGCTCCATTTTCATCATGAAGTCTGGCATTAATTCCTTGATTTCC-3'

ClinVar aggregate classification (germline): Uncertain significance (1 of 4 stars; one submission).

Allele frequency attached by ClinVar (database versions not stated): TOPMed below 0.00001.
gnomAD v4.1: 3 of 1,578,472 alleles (0.00019%); highest among the groups gnomAD compares: Admixed American, 0.0036%; no homozygotes.

Submission:

Labcorp Genetics (formerly Invitae), Labcorp
Classification: Uncertain significance. Last evaluated: 2022-08-21. Review status: criteria provided, single submitter. Criteria: Invitae Variant Classification Sherloc (09022015). Collection method: clinical testing. Allele origin: germline.
Comment: In summary, the available evidence is currently insufficient to determine the role of this variant in disease. Therefore, it has been classified as a Variant of Uncertain Significance. Variants that disrupt the consensus splice site are a relatively common cause of aberrant splicing (PMID: 17576681, 9536098). Algorithms developed to predict the effect of sequence changes on RNA splicing suggest that this variant is not likely to affect RNA splicing. ClinVar contains an entry for this variant (Variation ID: 641189). This variant has not been reported in the literature in individuals affected with NEDD4L-related conditions. This variant is not present in population databases (gnomAD no frequency). This sequence change falls in intron 15 of the NEDD4L gene. It does not directly change the encoded amino acid sequence of the NEDD4L protein. It affects a nucleotide within the consensus splice site.

Literature cited by the submitters: PubMed 17576681; PubMed 9536098.